The following is an entry in ClinVar:

ClinVar aggregate classification (germline): Pathogenic (1 of 4 stars; one submission).

Submission:

GeneDx
Classification: Pathogenic. Last evaluated: 2019-01-02. Review status: criteria provided, single submitter. Criteria: GeneDx Variant Classification (06012015). Collection method: clinical testing. Allele origin: germline. Affected: yes.
Comment: The c.3145_3146delTC variant in the AHDC1 gene has not been reported previously as a pathogenic variant nor as a benign variant, to our knowledge. The c.3145_3146delTC variant causes a frameshift starting with codon Alanine 1050, changes this amino acid to a Proline residue, and creates a premature Stop codon at position 7 of the new reading frame, denoted p.Ala1050ProfsX7. This variant is predicted to cause loss of normal protein function through protein truncation with the final 554 amino acid residues replaced by 6 incorrect residues. The c.3145_3146delTC variant is not observed in large population cohorts (Lek et al., 2016). We interpret c.3145_3146delTC as a pathogenic variant.

NM_001371928.1(AHDC1):c.3145_3146del (p.Ala1050fs)

Gene: AHDC1 (AT-hook DNA binding motif containing 1; minus strand). Cytogenetic location: 1p36.11.
Variant type: Deletion.
Coding change: c.3145_3146del on transcript NM_001371928.1 (MANE Select); coding-DNA positions 3145 to 3146, 2 bases deleted (TC; older notation c.3145_3146delTC).
Protein change: p.Ala1050fs; shifts the reading frame from alanine 1050.
Molecular consequence: frameshift variant.
Genome position (GRCh38, 1-based): chr1:27,548,970-27,548,971, GA deleted on the plus strand (TC on the coding strand, the reverse complement: AHDC1 is on the minus strand). VCF-style (leftmost placement, unchanged base first): chr1-27548969-TGA-T. GRCh37 (hg19) VCF-style: chr1-27875480-TGA-T.
Other names: c.3145_3146del, p.Ala1050fs (NM_001029882.3); short protein forms A1050fs.
Identifiers: ClinVar variation 817369 (VCV000817369.1), dbSNP rs1571231587, ClinGen allele CA915941186.